The following is an entry in ClinVar:

ClinVar aggregate classification (germline): Uncertain significance (1 of 4 stars; one submission).

Allele frequency attached by ClinVar (database versions not stated): gnomAD 0.00003; TOPMed 0.00002.
gnomAD v4.1: 66 of 1,563,968 alleles (0.0042%); highest among the groups gnomAD compares: Non-Finnish European, 0.0056%; no homozygotes.

Submission:

Labcorp Genetics (formerly Invitae), Labcorp
Classification: Uncertain significance. Last evaluated: 2021-10-12. Review status: criteria provided, single submitter. Criteria: Invitae Variant Classification Sherloc (09022015). Collection method: clinical testing. Allele origin: germline.
Comment: This sequence change replaces proline with leucine at codon 45 of the COQ2 protein (p.Pro45Leu). The proline residue is weakly conserved and there is a moderate physicochemical difference between proline and leucine. The frequency data for this variant in the population databases is considered unreliable, as metrics indicate insufficient coverage at this position in the ExAC database. This variant has not been reported in the literature in individuals affected with COQ2-related conditions. Algorithms developed to predict the effect of missense changes on protein structure and function output the following: SIFT: "Tolerated"; PolyPhen-2: "Benign"; Align-GVGD: "Class C0". The leucine amino acid residue is found in multiple mammalian species, which suggests that this missense change does not adversely affect protein function. In summary, the available evidence is currently insufficient to determine the role of this variant in disease. Therefore, it has been classified as a Variant of Uncertain Significance.

NM_001358921.2(COQ2):c.-17C>T

Genes: COQ2 (coenzyme Q2, polyprenyltransferase; minus strand), LOC112997540 (Sharpr-MPRA regulatory region 13773; plus strand). Cytogenetic location: 4q21.23.
Variant type: single nucleotide variant.
Coding change: c.-17C>T on transcript NM_001358921.2 (MANE Select); 17 bases upstream of the start codon, C replaced by T.
Molecular consequence: 5 prime UTR variant. On other transcripts: missense variant (1).
Genome position (GRCh38, 1-based): chr4:83,284,781, G>A on the plus strand (C>T on the coding strand, the complement: COQ2 is on the minus strand). VCF-style: chr4-83284781-G-A. GRCh37 (hg19) VCF-style: chr4-84205934-G-A.
Other names: c.134C>T, p.Pro45Leu (NM_015697.9); short protein forms P45L.
Identifiers: ClinVar variation 1365653 (VCV001365653.3), dbSNP rs780264467, ClinGen allele CA357231283.